The following is an entry in ClinVar:

ClinVar aggregate classification (germline): Uncertain significance. Review status: criteria provided, multiple submitters, no conflicts (2 of 4 stars). 2 submissions from 2 submitters: Uncertain significance (2). Last evaluated 2026-02-13.

Conditions:
PLEC-related disorder. Also called: PLEC-related condition; PLEC-related disorders.
Autosomal recessive limb-girdle muscular dystrophy type 2Q (LGMDR17). Also called: MUSCULAR DYSTROPHY, LIMB-GIRDLE, AUTOSOMAL RECESSIVE 17. Identifiers: Orphanet 254361, MedGen C3150989, MONDO:0013390, OMIM 613723.
Epidermolysis bullosa simplex, Ogna type (EBS5A). Also called: Pidermolysis bullosa simplex 5A, Ogna type; EPIDERMOLYSIS BULLOSA SIMPLEX 5A, OGNA TYPE. Identifiers: Orphanet 79401, MedGen C0432317, MONDO:0007555, OMIM 131950.
Epidermolysis bullosa simplex with nail dystrophy (EBS5D). Identifiers: MedGen C4225309, MONDO:0014661, OMIM 616487.
Epidermolysis bullosa simplex 5C, with pyloric atresia (EBS5C). Also called: PLEC-Related Epidermolysis Bullosa with Pyloric Atresia; Epidermolysis bullosa simplex with pyloric atresia; PLEC1-Related Epidermolysis Bullosa with Pyloric Atresia. Identifiers: Orphanet 158684, MedGen C2677349, MONDO:0012807, OMIM 612138.
Epidermolysis bullosa simplex 5B, with muscular dystrophy (EBS5B). Also called: EPIDERMOLYSIS BULLOSA SIMPLEX AND LIMB-GIRDLE MUSCULAR DYSTROPHY; Epidermolysis bullosa simplex with muscular dystrophy. Identifiers: Orphanet 257, MedGen C2931072, MONDO:0009181, OMIM 226670.

Allele frequency attached by ClinVar (database versions not stated): TOPMed 0.00001; ExAC 0.00002; gnomAD 0.00002; gnomAD exomes 0.00003.
gnomAD v4.1: 52 of 1,603,038 alleles (0.0032%); highest among the groups gnomAD compares: Middle Eastern, 0.016%; no homozygotes.

Submissions (2):

PreventionGenetics, part of Exact Sciences
Classification: Uncertain significance for PLEC-related condition. Last evaluated: 2026-02-13. Review status: criteria provided, single submitter. Criteria: ACMG Guidelines, 2015. Collection method: clinical testing. Allele origin: germline.
Comment: The PLEC c.6866C>T variant is predicted to result in the amino acid substitution p.Thr2289Met. To our knowledge, this variant has not been reported in the literature. This variant is reported in 0.010% of alleles in individuals of Ashkenazi Jewish descent in gnomAD. At this time, the clinical significance of this variant is uncertain due to the absence of conclusive functional and genetic evidence.

Labcorp Genetics (formerly Invitae), Labcorp
Classification: Uncertain significance for Autosomal recessive limb-girdle muscular dystrophy type 2Q; Epidermolysis bullosa simplex, Ogna type; Epidermolysis bullosa simplex with nail dystrophy; Epidermolysis bullosa simplex 5C, with pyloric atresia; Epidermolysis bullosa simplex 5B, with muscular dystrophy. Last evaluated: 2024-11-14. Review status: criteria provided, single submitter. Criteria: Invitae Variant Classification Sherloc (09022015). Collection method: clinical testing. Allele origin: germline.
Comment: This sequence change replaces threonine, which is neutral and polar, with methionine, which is neutral and non-polar, at codon 2289 of the PLEC protein (p.Thr2289Met). This variant is present in population databases (rs782706731, gnomAD 0.01%). This variant has not been reported in the literature in individuals affected with PLEC-related conditions. ClinVar contains an entry for this variant (Variation ID: 862648). Invitae Evidence Modeling of protein sequence and biophysical properties (such as structural, functional, and spatial information, amino acid conservation, physicochemical variation, residue mobility, and thermodynamic stability) indicates that this missense variant is not expected to disrupt PLEC protein function with a negative predictive value of 80%. In summary, the available evidence is currently insufficient to determine the role of this variant in disease. Therefore, it has been classified as a Variant of Uncertain Significance.

NM_201384.3(PLEC):c.6785C>T (p.Thr2262Met)

Gene: PLEC (plectin; minus strand). Cytogenetic location: 8q24.3.
Variant type: single nucleotide variant.
Coding change: c.6785C>T on transcript NM_201384.3 (MANE Select); coding-DNA position 6785, C replaced by T.
Protein change: p.Thr2262Met; replaces threonine 2262 with methionine.
Molecular consequence: missense variant.
Genome position (GRCh38, 1-based): chr8:143,923,144, G>A on the plus strand (C>T on the coding strand, the complement: PLEC is on the minus strand). VCF-style: chr8-143923144-G-A. GRCh37 (hg19) VCF-style: chr8-144997312-G-A.
Other names: c.6866C>T, p.Thr2289Met (NM_000445.5); c.6743C>T, p.Thr2248Met (NM_201378.4); c.6719C>T, p.Thr2240Met (NM_201379.3); c.7196C>T, p.Thr2399Met (NM_201380.4); c.6689C>T, p.Thr2230Met (NM_201381.3); c.6785C>T, p.Thr2262Met (NM_201382.4); c.6797C>T, p.Thr2266Met (NM_201383.3); short protein forms T2230M, T2262M, T2248M, T2266M, T2240M, T2289M, T2399M.
Identifiers: ClinVar variation 862648 (VCV000862648.8), dbSNP rs782706731, ClinGen allele CA4925860.
Genomic context (GRCh38, chr8:143,923,144, plus strand): 5'-CGCGCGGCCTCCTCCGCCACCTGCTTCATCTTCTCAGCCTCCTCCTGCAGGAAGCGCTGC[G>A]TATTGTCCTTGTCACGCAAGATGAGTGCGCGGTTCTCAGCCTCGATGCGTGCCTTGAGCT-3'
Protein context (NP_958786.1, residues 2252-2272): RALILRDKDN[Thr2262Met]QRFLQEEAEK